The following is an entry in ClinVar:

ClinVar aggregate classification (germline): Uncertain significance (1 of 4 stars; one submission).

Submission:

Labcorp Genetics (formerly Invitae), Labcorp
Classification: Uncertain significance. Last evaluated: 2024-11-22. Review status: criteria provided, single submitter. Criteria: Invitae Variant Classification Sherloc (09022015). Collection method: clinical testing. Allele origin: germline.
Comment: This sequence change replaces isoleucine, which is neutral and non-polar, with phenylalanine, which is neutral and non-polar, at codon 434 of the IRF4 protein (p.Ile434Phe). The frequency data for this variant in the population databases is considered unreliable, as metrics indicate poor data quality at this position in the gnomAD database. This variant has not been reported in the literature in individuals affected with IRF4-related conditions. An algorithm developed to predict the effect of missense changes on protein structure and function (PolyPhen-2) suggests that this variant is likely to be tolerated. In summary, the available evidence is currently insufficient to determine the role of this variant in disease. Therefore, it has been classified as a Variant of Uncertain Significance.

NM_002460.4(IRF4):c.1300A>T (p.Ile434Phe)

Gene: IRF4 (interferon regulatory factor 4; plus strand). Cytogenetic location: 6p25.3.
Variant type: single nucleotide variant.
Coding change: c.1300A>T on transcript NM_002460.4 (MANE Select); coding-DNA position 1300, A replaced by T.
Protein change: p.Ile434Phe; replaces isoleucine 434 with phenylalanine.
Molecular consequence: missense variant. On other transcripts: non-coding transcript variant (1).
Genome position (GRCh38, 1-based): chr6:407,542, A>T. VCF-style: chr6-407542-A-T. GRCh37 (hg19) VCF-style: chr6-407542-A-T.
Other names: c.1297A>T, p.Ile433Phe (NM_001195286.2); short protein forms I433F, I434F.
Identifiers: ClinVar variation 3606119 (VCV003606119.2).